The following is an entry in ClinVar:

NM_012062.5(DNM1L):c.721A>C (p.Ile241Leu)

Gene: DNM1L (dynamin 1 like; plus strand). Cytogenetic location: 12p11.21.
Variant type: single nucleotide variant.
Coding change: c.721A>C on transcript NM_012062.5 (MANE Select); coding-DNA position 721, A replaced by C.
Protein change: p.Ile241Leu; replaces isoleucine 241 with leucine.
Molecular consequence: missense variant. On other transcripts: intron variant (1).
Genome position (GRCh38, 1-based): chr12:32,718,744, A>C. VCF-style: chr12-32718744-A-C. GRCh37 (hg19) VCF-style: chr12-32871678-A-C.
Other names: c.721A>C, p.Ile241Leu (NM_001278463.2, NM_005690.5, NM_012063.4); c.760A>C, p.Ile254Leu (NM_001278464.2, NM_001278465.2, NM_001330380.2); c.132-1920A>C (NM_001278466.2); short protein forms I241L, I254L.
Identifiers: ClinVar variation 2193307 (VCV002193307.4), dbSNP rs748626399, ClinGen allele CA6507396.

ClinVar aggregate classification (germline): Uncertain significance (1 of 4 stars; one submission).

Allele frequency attached by ClinVar (database versions not stated): ExAC 0.00001; gnomAD exomes 0.00001.
gnomAD v4.1: 8 of 1,613,864 alleles (0.0005%); highest among the groups gnomAD compares: Non-Finnish European, 0.00059%; no homozygotes.

Submission:

Labcorp Genetics (formerly Invitae), Labcorp
Classification: Uncertain significance. Last evaluated: 2022-09-10. Review status: criteria provided, single submitter. Criteria: Invitae Variant Classification Sherloc (09022015). Collection method: clinical testing. Allele origin: germline.
Comment: In summary, the available evidence is currently insufficient to determine the role of this variant in disease. Therefore, it has been classified as a Variant of Uncertain Significance. Algorithms developed to predict the effect of missense changes on protein structure and function (SIFT, PolyPhen-2, Align-GVGD) all suggest that this variant is likely to be tolerated. This variant has not been reported in the literature in individuals affected with DNM1L-related conditions. This variant is present in population databases (rs748626399, gnomAD 0.0009%). This sequence change replaces isoleucine, which is neutral and non-polar, with leucine, which is neutral and non-polar, at codon 241 of the DNM1L protein (p.Ile241Leu).